The following is an entry in ClinVar:

ClinVar aggregate classification (germline): Likely benign. Review status: criteria provided, single submitter (1 of 4 stars). 2 submissions from 2 submitters: Likely benign (1). 1 of the submissions does not count toward it. Last evaluated 2026-04-01.

Conditions:
ZFHX3-related disorder. Also called: ZFHX3-related condition.

Allele frequency attached by ClinVar (database versions not stated): ESP Exome Variant Server 0.00262; 1000 Genomes Project 30x 0.00344; 1000 Genomes Project 0.00379.
gnomAD v4.1: 819 of 1,613,904 alleles (0.051%); highest among the groups gnomAD compares: African/African-American, 1%; 3 homozygotes.

Submissions (2):

CeGaT Center for Human Genetics Tuebingen
Classification: Likely benign. Last evaluated: 2026-04-01. Review status: criteria provided, single submitter. Criteria: CeGaT Center For Human Genetics Tuebingen Variant Classification Criteria Version 2. Collection method: clinical testing. Allele origin: germline. Affected: yes. Observed: 1 variant allele.
Comment: ZFHX3: BP4, BS1

PreventionGenetics, part of Exact Sciences
Classification: Benign for ZFHX3-related condition. Last evaluated: 2019-11-06. Review status: no assertion criteria provided. Collection method: clinical testing. Allele origin: germline. Not counted in ClinVar's aggregate classification.
Comment: This variant is classified as benign based on ACMG/AMP sequence variant interpretation guidelines (Richards et al. 2015 PMID: 25741868, with internal and published modifications).

NM_006885.4(ZFHX3):c.141C>G (p.His47Gln)

Gene: ZFHX3 (zinc finger homeobox 3; minus strand). Cytogenetic location: 16q22.3.
Variant type: single nucleotide variant.
Coding change: c.141C>G on transcript NM_006885.4 (MANE Select); coding-DNA position 141, C replaced by G.
Protein change: p.His47Gln; replaces histidine 47 with glutamine.
Molecular consequence: missense variant. On other transcripts: intron variant (1).
Genome position (GRCh38, 1-based): chr16:72,960,005, G>C on the plus strand (C>G on the coding strand, the complement: ZFHX3 is on the minus strand). VCF-style: chr16-72960005-G-C. GRCh37 (hg19) VCF-style: chr16-72993904-G-C.
Other names: c.141C>G, p.His47Gln (NM_001386735.1); c.-23-9040C>G (NM_001164766.2); short protein forms H47Q.
Identifiers: ClinVar variation 3033810 (VCV003033810.4), dbSNP rs116519588, ClinGen allele CA8165102.